The following is an entry in ClinVar:

ClinVar aggregate classification (germline): Conflicting classifications of pathogenicity. Review status: criteria provided, conflicting classifications (1 of 4 stars). 4 submissions from 4 submitters: Uncertain significance (1); Likely benign (3). Last evaluated 2025-12-08.

Conditions:
Acrocallosal syndrome (ACLS). Also called: HALLUX DUPLICATION, POSTAXIAL POLYDACTYLY, AND ABSENCE OF CORPUS CALLOSUM; Schinzel syndrome 1; Absence of corpus callosum with unusual facial appearance, mental deficiency, duplication of the halluces and polydactyly. Identifiers: Orphanet 36, MedGen C0796147, MONDO:0008708, OMIM 200990.

Allele frequency attached by ClinVar (database versions not stated): gnomAD 0.00004 and 0.00006; gnomAD exomes 0.00005; TOPMed 0.00010.
gnomAD v4.1: 61 of 1,137,564 alleles (0.0054%); highest among the groups gnomAD compares: Non-Finnish European, 0.006%; no homozygotes.

Submissions (4):

Labcorp Genetics (formerly Invitae), Labcorp
Classification: Likely benign for Acrocallosal syndrome. Last evaluated: 2025-12-08. Review status: criteria provided, single submitter. Criteria: Invitae Variant Classification Sherloc (09022015). Collection method: clinical testing. Allele origin: germline.

Blueprint Genetics
Classification: Likely benign. Last evaluated: 2024-10-14. Review status: criteria provided, single submitter. Criteria: ACMG Guidelines, 2015. Collection method: clinical testing. Allele origin: germline.

GeneDx
Classification: Likely benign. Last evaluated: 2018-02-05. Review status: criteria provided, single submitter. Criteria: GeneDx Variant Classification (06012015). Collection method: clinical testing. Allele origin: germline. Affected: yes.
Comment: This variant is considered likely benign or benign based on one or more of the following criteria: it is a conservative change, it occurs at a poorly conserved position in the protein, it is predicted to be benign by multiple in silico algorithms, and/or has population frequency not consistent with disease.

Illumina Laboratory Services, Illumina
Classification: Uncertain significance for Acrocallosal syndrome. Last evaluated: 2018-01-13. Review status: criteria provided, single submitter. Criteria: ICSL Variant Classification Criteria 13 December 2019. Collection method: clinical testing. Allele origin: germline.

NM_198525.3(KIF7):c.1290C>T (p.Pro430=)

Gene: KIF7 (kinesin family member 7; minus strand). Cytogenetic location: 15q26.1.
Variant type: single nucleotide variant.
Coding change: c.1290C>T on transcript NM_198525.3 (MANE Select); coding-DNA position 1290, C replaced by T.
Protein change: p.Pro430=; no amino-acid change (proline 430 retained).
Molecular consequence: synonymous variant.
Genome position (GRCh38, 1-based): chr15:89,648,408, G>A on the plus strand (C>T on the coding strand, the complement: KIF7 is on the minus strand). VCF-style: chr15-89648408-G-A. GRCh37 (hg19) VCF-style: chr15-90191639-G-A.
Identifiers: ClinVar variation 317368 (VCV000317368.10), dbSNP rs886051534, ClinGen allele CA10636657.